The following is an entry in ClinVar:

ClinVar aggregate classification (germline): Likely benign (0 of 4 stars; one submission).

Conditions:
SCAPER-related disorder. Also called: SCAPER-related condition.

gnomAD v4.1: 18 of 1,604,038 alleles (0.0011%); highest among the groups gnomAD compares: Admixed American, 0.0052%; no homozygotes.

Submission:

PreventionGenetics, part of Exact Sciences
Classification: Likely benign for SCAPER-related condition. Last evaluated: 2024-08-05. Review status: no assertion criteria provided. Collection method: clinical testing. Allele origin: germline.
Comment: This variant is classified as likely benign based on ACMG/AMP sequence variant interpretation guidelines (Richards et al. 2015 PMID: 25741868, with internal and published modifications).

NM_020843.4(SCAPER):c.3870C>T (p.Ser1290=)

Gene: SCAPER (S-phase cyclin A associated protein in the ER; minus strand). Cytogenetic location: 15q24.3.
Variant type: single nucleotide variant.
Coding change: c.3870C>T on transcript NM_020843.4 (MANE Select); coding-DNA position 3870, C replaced by T.
Protein change: p.Ser1290=; no amino-acid change (serine 1290 retained).
Molecular consequence: synonymous variant. On other transcripts: non-coding transcript variant (1).
Genome position (GRCh38, 1-based): chr15:76,354,126, G>A on the plus strand (C>T on the coding strand, the complement: SCAPER is on the minus strand). VCF-style: chr15-76354126-G-A. GRCh37 (hg19) VCF-style: chr15-76646467-G-A.
Other names: c.3132C>T, p.Ser1044= (NM_001145923.2); c.3888C>T, p.Ser1296= (NM_001353009.2); c.3468C>T, p.Ser1156= (NM_001353010.2, NM_001353012.2); c.3486C>T, p.Ser1162= (NM_001353011.2).
Identifiers: ClinVar variation 3349666 (VCV003349666.1).
Genomic context (GRCh38, chr15:76,354,126, plus strand): 5'-GTCACTGAAATACTGGAAGGGCAACTGGCAGAGCTTCTGCAGCACTGTGGGGTGGCGGCC[G>A]GACTGCACGATCACCTGAAATGGAAGAGCAGCCCAGGTCAGCTGCCGAAACGCCCCAGCC-3'
Protein context (NP_065894.2, residues 1280-1300): NHPDNQVIVQ[Ser1290=]GRHPTVLQKL